The following is an entry in ClinVar:

NM_001351132.2(PEX5):c.44A>G (p.Asn15Ser)

Gene: PEX5 (peroxisomal biogenesis factor 5; plus strand). Cytogenetic location: 12p13.31.
Variant type: single nucleotide variant.
Coding change: c.44A>G on transcript NM_001351132.2 (MANE Select); coding-DNA position 44, A replaced by G.
Protein change: p.Asn15Ser; replaces asparagine 15 with serine.
Molecular consequence: missense variant.
Genome position (GRCh38, 1-based): chr12:7,190,421, A>G. VCF-style: chr12-7190421-A-G. GRCh37 (hg19) VCF-style: chr12-7343017-A-G.
Other names: c.44A>G, p.Asn15Ser (NM_000319.5, NM_001131023.2, NM_001131024.2 and 22 more transcripts); short protein forms N15S.
Identifiers: ClinVar variation 1442210 (VCV001442210.3), dbSNP rs951795989, ClinGen allele CA383707230.
Genomic context (GRCh38, chr12:7,190,421, plus strand): 5'-GAGAGCTGGCGGTCACCATGGCAATGCGGGAGCTGGTGGAGGCCGAATGCGGGGGTGCCA[A>G]CCCGCTCATGAAGCTCGCCGGGCACTTCACCCAGGACAAGGCCCTTCGGCAGGAGGGATT-3'
Protein context (NP_001338061.1, residues 5-25): ELVEAECGGA[Asn15Ser]PLMKLAGHFT

ClinVar aggregate classification (germline): Uncertain significance (1 of 4 stars; one submission).

Conditions:
Peroxisome biogenesis disorder 2B (PBD2B). Identifiers: Orphanet 44, MedGen C3550234, MONDO:0008736, OMIM 202370.

Allele frequency attached by ClinVar (database versions not stated): gnomAD exomes below 0.00001; TOPMed below 0.00001.

Submission:

Labcorp Genetics (formerly Invitae), Labcorp
Classification: Uncertain significance for Peroxisome biogenesis disorder 2B. Last evaluated: 2022-03-20. Review status: criteria provided, single submitter. Criteria: Invitae Variant Classification Sherloc (09022015). Collection method: clinical testing. Allele origin: germline.
Comment: This sequence change replaces asparagine, which is neutral and polar, with serine, which is neutral and polar, at codon 15 of the PEX5 protein (p.Asn15Ser). This variant is not present in population databases (gnomAD no frequency). This variant has not been reported in the literature in individuals affected with PEX5-related conditions. Algorithms developed to predict the effect of missense changes on protein structure and function are either unavailable or do not agree on the potential impact of this missense change (SIFT: "Tolerated"; PolyPhen-2: "Probably Damaging"; Align-GVGD: "Class C0"). In summary, the available evidence is currently insufficient to determine the role of this variant in disease. Therefore, it has been classified as a Variant of Uncertain Significance.